The following is an entry in ClinVar:

NM_001130987.2(DYSF):c.2773G>T (p.Val925Phe)

Gene: DYSF (dysferlin; plus strand). Cytogenetic location: 2p13.2.
Variant type: single nucleotide variant.
Coding change: c.2773G>T on transcript NM_001130987.2 (MANE Select); coding-DNA position 2773, G replaced by T.
Protein change: p.Val925Phe; replaces valine 925 with phenylalanine.
Molecular consequence: missense variant.
Genome position (GRCh38, 1-based): chr2:71,568,247, G>T. VCF-style: chr2-71568247-G-T. GRCh37 (hg19) VCF-style: chr2-71795377-G-T.
Other names: c.2722G>T, p.Val908Phe (NM_001130455.2, NM_001130983.2); c.2677G>T, p.Val893Phe (NM_001130976.2, NM_001130977.2); c.2719G>T, p.Val907Phe (NM_001130978.2, NM_003494.4); c.2812G>T, p.Val938Phe (NM_001130979.2); c.2770G>T, p.Val924Phe (NM_001130980.2, NM_001130981.2); c.2815G>T, p.Val939Phe (NM_001130982.2); c.2680G>T, p.Val894Phe (NM_001130984.2, NM_001130986.2); c.2773G>T, p.Val925Phe (NM_001130985.2); short protein forms V893F, V894F, V907F, V908F, V924F, V925F, V938F, V939F.
Identifiers: ClinVar variation 3621140 (VCV003621140.2).

ClinVar aggregate classification (germline): Uncertain significance (1 of 4 stars; one submission).

Conditions:
Neuromuscular disease caused by qualitative or quantitative defects of dysferlin. Also called: Dysferlinopathy; Qualitative or quantitative defects of dysferlin. Identifiers: Orphanet 207073, MedGen C2931687, MONDO:0016145.

gnomAD v4.1: 2 of 1,614,210 alleles (0.00012%); highest among the groups gnomAD compares: Non-Finnish European, 0.000085%; no homozygotes.

Submission:

Labcorp Genetics (formerly Invitae), Labcorp
Classification: Uncertain significance for Neuromuscular disease caused by qualitative or quantitative defects of dysferlin. Last evaluated: 2024-12-24. Review status: criteria provided, single submitter. Criteria: Invitae Variant Classification Sherloc (09022015). Collection method: clinical testing. Allele origin: germline.
Comment: This sequence change replaces valine, which is neutral and non-polar, with phenylalanine, which is neutral and non-polar, at codon 907 of the DYSF protein (p.Val907Phe). This variant is not present in population databases (gnomAD no frequency). This variant has not been reported in the literature in individuals affected with DYSF-related conditions. Invitae Evidence Modeling of protein sequence and biophysical properties (such as structural, functional, and spatial information, amino acid conservation, physicochemical variation, residue mobility, and thermodynamic stability) has been performed for this missense variant. However, the output from this modeling did not meet the statistical confidence thresholds required to predict the impact of this variant on DYSF protein function. In summary, the available evidence is currently insufficient to determine the role of this variant in disease. Therefore, it has been classified as a Variant of Uncertain Significance.